The following is an entry in ClinVar:

ClinVar aggregate classification (germline): Pathogenic (1 of 4 stars; one submission).

Conditions:
Hereditary angioedema type 1 (HAE1). Identifiers: Orphanet 100050, Orphanet 100051, Orphanet 91378, MedGen C2717906, MONDO:0015053, OMIM 106100.

Submission:

DNA-diagnostics Laboratory, Research Centre For Medical Genetics
Classification: Pathogenic for Hereditary angioedema type 1. Last evaluated: 2024-08-16. Review status: criteria provided, single submitter. Criteria: ACMG Guidelines, 2015. Collection method: research. Allele origin: germline. Inheritance: Autosomal dominant inheritance. Affected: yes. Observed: 1 heterozygote.
Comment: The pathogenic or likely pathogenic SERPING1 gene variants are detected in >90% of the HAE1/2 families and in >80% of the total HAE families (e.g., DOI: 10.1016/j.molimm.2008.05.007, 10.1159/2F000138883, 10.1016/j.molimm.2011.07.010). Across all SERPING1 gene exons, about 50% of the pathogenic or likely pathogenic variants associated with HAE are LoF (173/297 in ClinVar or 292/596 in HGMD 2022.1). According to our observation the c.976_980delinsTACCCTGTG variant in SERPING1 meets ACMG/ClinGen SVI guidance criteria to be classified as pathogenic: PVS1, PP4_Str, PM2_Sup

NM_000062.3(SERPING1):c.976_979delinsTACCCTGT (p.Asn326fs)

Gene: SERPING1 (serpin family G member 1; plus strand). Cytogenetic location: 11q12.1.
Variant type: Indel.
Coding change: c.976_979delinsTACCCTGT on transcript NM_000062.3 (MANE Select); coding-DNA positions 976 to 979, AATA replaced by TACCCTGT.
Protein change: p.Asn326fs; shifts the reading frame from asparagine 326.
Molecular consequence: frameshift variant.
Genome position (GRCh38, 1-based): chr11:57,606,494-57,606,497, AATA replaced by TACCCTGT. VCF-style: chr11-57606494-AATA-TACCCTGT. GRCh37 (hg19) VCF-style: chr11-57373967-AATA-TACCCTGT.
Other names: c.976_979delinsTACCCTGT, p.Asn326fs (NM_001032295.2); c.976_980delinsTACCCTGTG (NM_000062.3); short protein forms N326fs.
Identifiers: ClinVar variation 3338008 (VCV003338008.2).